The following is an entry in ClinVar:

ClinVar aggregate classification (germline): Pathogenic/Likely pathogenic. Review status: criteria provided, multiple submitters, no conflicts (2 of 4 stars). 4 submissions from 4 submitters: Pathogenic (1); Likely pathogenic (2). 1 of the submissions does not count toward it. Last evaluated 2025-09-01.

Conditions:
Autosomal recessive nonsyndromic hearing loss 23. Identifiers: Orphanet 90636, MedGen C1836027, MONDO:0012293, OMIM 609533.
Usher syndrome type 1D (USH1D). Also called: USHER SYNDROME, TYPE ID. Identifiers: Orphanet 231169, Orphanet 886, MedGen C1832845, MONDO:0010984, OMIM 601067.
Usher syndrome type 1F (USH1F). Also called: USHER SYNDROME, TYPE IF. Identifiers: Orphanet 231169, Orphanet 886, MedGen C1865885, MONDO:0011186, OMIM 602083.

Allele frequency attached by ClinVar (database versions not stated): gnomAD exomes below 0.00001; TOPMed below 0.00001; gnomAD 0.00001; ESP Exome Variant Server 0.00008.
gnomAD v4.1: 5 of 1,611,074 alleles (0.00031%); highest among the groups gnomAD compares: African/African-American, 0.0054%; no homozygotes.

Submissions (4):

Natera, Inc.
Classification: Likely pathogenic for Usher syndrome type 1F. Last evaluated: 2025-09-01. Review status: criteria provided, single submitter. Criteria: Natera Variant Classification Schema (03/2026). Collection method: clinical testing. Allele origin: germline.
Comment: The c.1915C>T variant in PCDH15 is a nonsense variant predicted to introduce a stop codon at amino acid 639. This variant is expected to result in nonsense mediated decay, truncation, or a dysfunctional protein product. This variant is rare in the general population with a frequency below the threshold expected for the associated phenotype(s). Given the available evidence, this variant is classified as Likely Pathogenic.

Fulgent Genetics
Classification: Likely pathogenic for Usher syndrome type 1D; Usher syndrome type 1F; Autosomal recessive nonsyndromic hearing loss 23. Last evaluated: 2024-02-09. Review status: criteria provided, single submitter. Criteria: ACMG Guidelines, 2015. Collection method: clinical testing. Allele origin: germline.

Labcorp Genetics (formerly Invitae), Labcorp
Classification: Pathogenic. Last evaluated: 2023-10-06. Review status: criteria provided, single submitter. Criteria: Invitae Variant Classification Sherloc (09022015). Collection method: clinical testing. Allele origin: germline.
Comment: This sequence change creates a premature translational stop signal (p.Gln639*) in the PCDH15 gene. It is expected to result in an absent or disrupted protein product. Loss-of-function variants in PCDH15 are known to be pathogenic (PMID: 11398101, 11487575, 14570705). This variant is not present in population databases (gnomAD no frequency). This variant has not been reported in the literature in individuals affected with PCDH15-related conditions. ClinVar contains an entry for this variant (Variation ID: 371452). Algorithms developed to predict the effect of sequence changes on RNA splicing suggest that this variant may create or strengthen a splice site. For these reasons, this variant has been classified as Pathogenic.

Counsyl
Classification: Likely pathogenic for Usher syndrome type 1F. Last evaluated: 2016-09-27. Review status: no assertion criteria provided. Collection method: clinical testing. Allele origin: unknown. Not counted in ClinVar's aggregate classification.

Literature cited by the submitters: PubMed 11398101 (cited by Labcorp Genetics (formerly Invitae), Labcorp); PubMed 11487575 (cited by Labcorp Genetics (formerly Invitae), Labcorp); PubMed 14570705 (cited by Labcorp Genetics (formerly Invitae), Labcorp).

NM_001384140.1(PCDH15):c.1915C>T (p.Gln639Ter)

Gene: PCDH15 (protocadherin related 15; minus strand). Cytogenetic location: 10q21.1.
Variant type: single nucleotide variant.
Coding change: c.1915C>T on transcript NM_001384140.1 (MANE Select); coding-DNA position 1915, C replaced by T.
Protein change: p.Gln639Ter; replaces glutamine 639 with a stop codon.
Molecular consequence: nonsense. On other transcripts: intron variant (1).
Genome position (GRCh38, 1-based): chr10:54,132,877, G>A on the plus strand (C>T on the coding strand, the complement: PCDH15 is on the minus strand). VCF-style: chr10-54132877-G-A. GRCh37 (hg19) VCF-style: chr10-55892637-G-A.
Other names: c.1930C>T, p.Gln644Ter (NM_001142763.2, NM_001142771.2); c.1915C>T, p.Gln639Ter (NM_001142764.2, NM_001142766.2, NM_001142770.3 and 5 more transcripts); c.1804C>T, p.Gln602Ter (NM_001142767.2); c.1849C>T, p.Gln617Ter (NM_001142768.2, NM_001142773.2, NM_001354404.2); c.1951C>T, p.Gln651Ter (NM_001142769.4); c.1936C>T, p.Gln646Ter (NM_001354411.2); c.1784+20223C>T (NM_001142765.2); short protein forms Q639*, Q644*, Q646*, Q651*, Q617*, Q602*.
Identifiers: ClinVar variation 371452 (VCV000371452.11), dbSNP rs138983888, ClinGen allele CA16041369.
Genomic context (GRCh38, chr10:54,132,877, plus strand): 5'-CAAGCTTGTCACTTTAGAATTTATACACACACACACACACACACACCAAGGAACATACCT[G>A]TAGATTTAATAAAACAGCACCAACCCTCATGGCTTCACTAATTTCAAGGCTATACATCAG-3'